The following is an entry in ClinVar:

ClinVar aggregate classification (germline): Conflicting classifications of pathogenicity. Review status: criteria provided, conflicting classifications (1 of 4 stars). 3 submissions from 3 submitters: Uncertain significance (1); Likely benign (2). Last evaluated 2026-01-28.

Conditions:
Oto-palato-digital syndrome, type II (OPD2). Also called: FACIOPALATOOSSEOUS SYNDROME; OPD II SYNDROME; Otopalatodigital Syndrome Type 2 (FLNA-OPD2); Otopalatodigital Syndrome, Type II. Identifiers: Orphanet 669, Orphanet 90652, MedGen C1844696, MONDO:0010571, OMIM 304120.
Heterotopia, periventricular, X-linked dominant (PVNH1). Also called: PERIVENTRICULAR NODULAR HETEROTOPIA 1; X-linked periventricular heterotopia; PERIVENTRICULAR NODULAR HETEROTOPIA 4; HETEROTOPIA, PERIVENTRICULAR, 1. Identifiers: Orphanet 2149, Orphanet 82004, MedGen C1848213, MONDO:0010233, OMIM 300049.
Frontometaphyseal dysplasia (FMD1). Identifiers: Orphanet 1826, MedGen C0265293, MONDO:0015942.
Melnick-Needles syndrome (MNS). Also called: MELNICK-NEEDLES OSTEODYSPLASTY; OSTEODYSPLASTY OF MELNICK AND NEEDLES; Melnick-Needles Syndrome (FLNA-MNS). Identifiers: Orphanet 2484, MedGen C0025237, MONDO:0010650, OMIM 309350.
Familial thoracic aortic aneurysm and aortic dissection (TAAD). Also called: Thoracic aortic aneurysms and dissections. Identifiers: Orphanet 91387, MedGen C4707243, MONDO:0019625.

Allele frequency attached by ClinVar (database versions not stated): gnomAD exomes below 0.00001; gnomAD 0.00001; TOPMed 0.00002.
gnomAD v4.1: 3 of 1,211,173 alleles (0.00025%); highest among the groups gnomAD compares: Non-Finnish European, 0.00034%; no homozygotes.

Submissions (3):

Labcorp Genetics (formerly Invitae), Labcorp
Classification: Uncertain significance for Oto-palato-digital syndrome, type II; Heterotopia, periventricular, X-linked dominant; Frontometaphyseal dysplasia; Melnick-Needles syndrome. Last evaluated: 2026-01-28. Review status: criteria provided, single submitter. Criteria: Invitae Variant Classification Sherloc (09022015). Collection method: clinical testing. Allele origin: germline.
Comment: This sequence change replaces glutamine, which is neutral and polar, with arginine, which is basic and polar, at codon 2538 of the FLNA protein (p.Gln2538Arg). This variant is not present in population databases (gnomAD no frequency). This variant has not been reported in the literature in individuals affected with FLNA-related conditions. ClinVar contains an entry for this variant (Variation ID: 379886). Invitae Evidence Modeling of protein sequence and biophysical properties (such as structural, functional, and spatial information, amino acid conservation, physicochemical variation, residue mobility, and thermodynamic stability) indicates that this missense variant is not expected to disrupt FLNA protein function with a negative predictive value of 95%. In summary, the available evidence is currently insufficient to determine the role of this variant in disease. Therefore, it has been classified as a Variant of Uncertain Significance.

Ambry Genetics
Classification: Likely benign for Familial thoracic aortic aneurysm and aortic dissection. Last evaluated: 2024-05-02. Review status: criteria provided, single submitter. Criteria: Ambry Variant Classification Scheme 2023. Collection method: clinical testing. Allele origin: germline.

GeneDx
Classification: Likely benign. Last evaluated: 2017-11-01. Review status: criteria provided, single submitter. Criteria: GeneDx Variant Classification (06012015). Collection method: clinical testing. Allele origin: germline. Affected: yes.
Comment: This variant is considered likely benign or benign based on one or more of the following criteria: it is a conservative change, it occurs at a poorly conserved position in the protein, it is predicted to be benign by multiple in silico algorithms, and/or has population frequency not consistent with disease.

NM_001110556.2(FLNA):c.7637A>G (p.Gln2546Arg)

Genes: FLNA (filamin A; minus strand), LOC107988032 (Xq28 proximal FLNA-EMD recombination region; plus strand). Cytogenetic location: Xq28.
Variant type: single nucleotide variant.
Coding change: c.7637A>G on transcript NM_001110556.2 (MANE Select); coding-DNA position 7637, A replaced by G.
Protein change: p.Gln2546Arg; replaces glutamine 2546 with arginine.
Molecular consequence: missense variant.
Genome position (GRCh38, 1-based): chrX:154,349,481, T>C on the plus strand (A>G on the coding strand, the complement: FLNA is on the minus strand). VCF-style: chrX-154349481-T-C. GRCh37 (hg19) VCF-style: chrX-153577849-T-C.
Other names: c.7613A>G, p.Gln2538Arg (NM_001456.4); short protein forms Q2538R, Q2546R.
Identifiers: ClinVar variation 379886 (VCV000379886.10), dbSNP rs1057520770, ClinGen allele CA16609149.